The following is an entry in ClinVar:

NM_002838.5(PTPRC):c.1361A>T (p.Lys454Ile)

Gene: PTPRC (protein tyrosine phosphatase receptor type C; plus strand). Cytogenetic location: 1q32.1.
Variant type: single nucleotide variant.
Coding change: c.1361A>T on transcript NM_002838.5 (MANE Select); coding-DNA position 1361, A replaced by T.
Protein change: p.Lys454Ile; replaces lysine 454 with isoleucine.
Molecular consequence: missense variant.
Genome position (GRCh38, 1-based): chr1:198,716,751, A>T. VCF-style: chr1-198716751-A-T. GRCh37 (hg19) VCF-style: chr1-198685880-A-T.
Other names: c.878A>T, p.Lys293Ile (NM_080921.4); short protein forms K293I, K454I.
Identifiers: ClinVar variation 3705029 (VCV003705029.1).

ClinVar aggregate classification (germline): Uncertain significance (1 of 4 stars; one submission).

Conditions:
Immunodeficiency 104. Also called: IMMUNODEFICIENCY 104, SEVERE COMBINED; Severe Combined Immune Deficiency, Autosomal Recessive, TCell -Negative, B Cell-Positive, NK Cell-Positive, IL7R-Related; Severe combined immunodeficiency, autosomal recessive, T cell-negative, B cell-positive, NK cell-positive; SCID, AUTOSOMAL RECESSIVE, T CELL-NEGATIVE, B CELL-POSITIVE, NK CELL-POSITIVE. Identifiers: MedGen C5676890, MONDO:0012163, OMIM 608971.

gnomAD v4.1: 10 of 1,613,016 alleles (0.00062%); highest among the groups gnomAD compares: Non-Finnish European, 0.00076%; no homozygotes.

Submission:

Labcorp Genetics (formerly Invitae), Labcorp
Classification: Uncertain significance for Immunodeficiency 104. Last evaluated: 2024-07-01. Review status: criteria provided, single submitter. Criteria: Invitae Variant Classification Sherloc (09022015). Collection method: clinical testing. Allele origin: germline.
Comment: This sequence change replaces lysine, which is basic and polar, with isoleucine, which is neutral and non-polar, at codon 454 of the PTPRC protein (p.Lys454Ile). This variant is present in population databases (rs759520877, gnomAD 0.002%). This variant has not been reported in the literature in individuals affected with PTPRC-related conditions. An algorithm developed to predict the effect of missense changes on protein structure and function (PolyPhen-2) suggests that this variant¬†is likely to be tolerated. In summary, the available evidence is currently insufficient to determine the role of this variant in disease. Therefore, it has been classified as a Variant of Uncertain Significance.